The following is an entry in ClinVar:

NM_006265.3(RAD21):c.838T>A (p.Ser280Thr)

Gene: RAD21 (RAD21 cohesin complex component; minus strand). Cytogenetic location: 8q24.11.
Variant type: single nucleotide variant.
Coding change: c.838T>A on transcript NM_006265.3 (MANE Select); coding-DNA position 838, T replaced by A.
Protein change: p.Ser280Thr; replaces serine 280 with threonine.
Molecular consequence: missense variant.
Genome position (GRCh38, 1-based): chr8:116,856,265, A>T on the plus strand (T>A on the coding strand, the complement: RAD21 is on the minus strand). VCF-style: chr8-116856265-A-T. GRCh37 (hg19) VCF-style: chr8-117868504-A-T.
Other names: short protein forms S280T.
Identifiers: ClinVar variation 2760169 (VCV002760169.3), dbSNP rs2130466663, ClinGen allele CA372004280.
Genomic context (GRCh38, chr8:116,856,265, plus strand): 5'-CATTTGGAACAAGTGTTGTTTGATCAGTCATGGTTGGCATTGGTTCAACGGGATCCACTG[A>T]ATCAGGACTATCAGGCCCACCCACTGTAAAAAAAAAAAAAAAAAAAAAAAGTCACAAAAA-3'
Protein context (NP_006256.1, residues 270-290): VSMGGPDSPD[Ser280Thr]VDPVEPMPTM

ClinVar aggregate classification (germline): Uncertain significance (1 of 4 stars; one submission).

Conditions:
Cornelia de Lange syndrome 4 (CDLS4). Also called: CORNELIA DE LANGE SYNDROME 4 WITH OR WITHOUT MIDLINE BRAIN DEFECTS; RAD21-Related Cornelia de Lange Syndrome. Identifiers: Orphanet 199, MedGen C3553517, MONDO:0013864, OMIM 614701.

Allele frequency attached by ClinVar (database versions not stated): gnomAD exomes below 0.00001.
gnomAD v4.1: 1 of 1,568,038 alleles (0.000064%); highest among the groups gnomAD compares: Middle Eastern, 0.017%; no homozygotes.

Submission:

Labcorp Genetics (formerly Invitae), Labcorp
Classification: Uncertain significance for Cornelia de Lange syndrome 4. Last evaluated: 2023-11-27. Review status: criteria provided, single submitter. Criteria: Invitae Variant Classification Sherloc (09022015). Collection method: clinical testing. Allele origin: germline.
Comment: This sequence change replaces serine, which is neutral and polar, with threonine, which is neutral and polar, at codon 280 of the RAD21 protein (p.Ser280Thr). This variant is not present in population databases (gnomAD no frequency). This variant has not been reported in the literature in individuals affected with RAD21-related conditions. Advanced modeling of protein sequence and biophysical properties (such as structural, functional, and spatial information, amino acid conservation, physicochemical variation, residue mobility, and thermodynamic stability) performed at Invitae indicates that this missense variant is not expected to disrupt RAD21 protein function with a negative predictive value of 80%. In summary, the available evidence is currently insufficient to determine the role of this variant in disease. Therefore, it has been classified as a Variant of Uncertain Significance.